The following is an entry in ClinVar:

ClinVar aggregate classification (germline): Benign (1 of 4 stars; one submission).

gnomAD v4.1: 95 of 713,566 alleles (0.013%); highest among the groups gnomAD compares: South Asian, 0.14%; 6 homozygotes.

Submission:

CeGaT Center for Human Genetics Tuebingen
Classification: Benign. Last evaluated: 2026-03-01. Review status: criteria provided, single submitter. Criteria: CeGaT Center For Human Genetics Tuebingen Variant Classification Criteria Version 2. Collection method: clinical testing. Allele origin: germline. Affected: yes. Observed: 1 variant allele.
Comment: PLIN4: BP4, BP7, BS1, BS2

NM_001367868.2(PLIN4):c.1008C>T (p.Thr336=)

Gene: PLIN4 (perilipin 4; minus strand). Cytogenetic location: 19p13.3.
Variant type: single nucleotide variant.
Coding change: c.1008C>T on transcript NM_001367868.2 (MANE Select); coding-DNA position 1008, C replaced by T.
Protein change: p.Thr336=; no amino-acid change (threonine 336 retained).
Molecular consequence: synonymous variant.
Genome position (GRCh38, 1-based): chr19:4,512,952, G>A on the plus strand (C>T on the coding strand, the complement: PLIN4 is on the minus strand). VCF-style: chr19-4512952-G-A. GRCh37 (hg19) VCF-style: chr19-4512964-G-A.
Other names: c.1011C>T, p.Thr337= (NM_001393888.1, NM_001393889.1); c.1008C>T, p.Thr336= (NM_001393890.1, NM_001393891.1).
Identifiers: ClinVar variation 4821292 (VCV004821292.4).
Genomic context (GRCh38, chr19:4,512,952, plus strand): 5'-CACGCCGGTCTGGATGGTTCCTTTGGCCACATTCATGGCACCAGTCACCCCACTACAGAC[G>A]GTGTCCTTGGTACCTGTTAGGACAGTCTTACTGGTGTCCACGCCGGTCTGGATGGTTCCT-3'
Protein context (NP_001354797.1, residues 326-346): SKTVLTGTKD[Thr336=]VCSGVTGAMN